The following is an entry in ClinVar:

NM_001946.4(DUSP6):c.217G>A (p.Val73Met)

Genes: DUSP6 (dual specificity phosphatase 6; minus strand), POC1B-DUSP6 (POC1B-DUSP6 readthrough; minus strand). Cytogenetic location: 12q21.33.
Variant type: single nucleotide variant.
Coding change: c.217G>A on transcript NM_001946.4 (MANE Select); coding-DNA position 217, G replaced by A.
Protein change: p.Val73Met; replaces valine 73 with methionine.
Molecular consequence: missense variant.
Genome position (GRCh38, 1-based): chr12:89,351,823, C>T on the plus strand (G>A on the coding strand, the complement: DUSP6 is on the minus strand). VCF-style: chr12-89351823-C-T. GRCh37 (hg19) VCF-style: chr12-89745600-C-T.
Other names: c.217G>A, p.Val73Met (NM_022652.4); short protein forms V73M.
Identifiers: ClinVar variation 3676877 (VCV003676877.2).
Genomic context (GRCh38, chr12:89,351,823, plus strand): 5'-CGGTGCCACAGCGCCGGGTGAAGCGGTCCCGGTCCTCGCCGCGCGTGAAGAGCGCGCGCA[C>T]CGGCAGGTTACCCTTCTGCAGGCGCCGCAGCATGATGCCCGGGATGGCCACGTTGATGGC-3'
Protein context (NP_001937.2, residues 63-83): LRRLQKGNLP[Val73Met]RALFTRGEDR

ClinVar aggregate classification (germline): Uncertain significance (1 of 4 stars; one submission).

gnomAD v4.1: 3 of 1,611,364 alleles (0.00019%); highest among the groups gnomAD compares: East Asian, 0.0045%; no homozygotes.

Submission:

Labcorp Genetics (formerly Invitae), Labcorp
Classification: Uncertain significance. Last evaluated: 2025-03-04. Review status: criteria provided, single submitter. Criteria: Invitae Variant Classification Sherloc (09022015). Collection method: clinical testing. Allele origin: germline.
Comment: This sequence change replaces valine, which is neutral and non-polar, with methionine, which is neutral and non-polar, at codon 73 of the DUSP6 protein (p.Val73Met). This variant is present in population databases (no rsID available, gnomAD 0.006%). This variant has not been reported in the literature in individuals affected with DUSP6-related conditions. Invitae Evidence Modeling of protein sequence and biophysical properties (such as structural, functional, and spatial information, amino acid conservation, physicochemical variation, residue mobility, and thermodynamic stability) indicates that this missense variant is not expected to disrupt DUSP6 protein function with a negative predictive value of 80%. In summary, the available evidence is currently insufficient to determine the role of this variant in disease. Therefore, it has been classified as a Variant of Uncertain Significance.